The following is an entry in ClinVar:

NM_031310.3(PLVAP):c.184del (p.Ala62fs)

Gene: PLVAP (plasmalemma vesicle associated protein; minus strand). Cytogenetic location: 19p13.11.
Variant type: Deletion.
Coding change: c.184del on transcript NM_031310.3 (MANE Select); coding-DNA position 184, one base deleted (G; older notation c.184delG).
Protein change: p.Ala62fs; shifts the reading frame from alanine 62.
Molecular consequence: frameshift variant.
Genome position (GRCh38, 1-based): chr19:17,377,105, C deleted on the plus strand (G on the coding strand, the reverse complement: PLVAP is on the minus strand); the first of 2 consecutive C bases (chr19:17,377,105-17,377,106); deleting either gives the same sequence. VCF-style (leftmost placement, unchanged base first): chr19-17377104-GC-G. GRCh37 (hg19) VCF-style: chr19-17487913-GC-G.
Other names: short protein forms A62fs.
Identifiers: ClinVar variation 5021100 (VCV005021100.1).
Genomic context (GRCh38, chr19:17,377,104, plus strand): 5'-GACTGGGAGGCCGTGAGCCCTAGGAGCTGACTGTATAGGCCCTCGGCTCGGCGCTCGGTG[GC>G]CTGCAGGTTGGACTCTGTGCTCACGTGCACGTTGCCATAGACCATGAAGAGCACGAGCCC-3'

ClinVar aggregate classification (germline): Likely pathogenic (1 of 4 stars; one submission).

Conditions:
Paediatric disorders.

Submission:

North West Genomic Laboratory Hub, Manchester University NHS Foundation Trust
Classification: Likely pathogenic for Paediatric disorders. Last evaluated: 2026-01-09. Review status: criteria provided, single submitter. Criteria: ACGS Best Practice Guidelines for Variant Classification in Rare Disease 2024. Collection method: clinical testing. Allele origin: germline. Affected: yes.
Comment: PM2_Mod PVS1_Str